The following is an entry in ClinVar:

NM_006514.4(SCN10A):c.1501C>G (p.His501Asp)

Gene: SCN10A (sodium voltage-gated channel alpha subunit 10; minus strand). Cytogenetic location: 3p22.2.
Variant type: single nucleotide variant.
Coding change: c.1501C>G on transcript NM_006514.4 (MANE Select); coding-DNA position 1501, C replaced by G.
Protein change: p.His501Asp; replaces histidine 501 with aspartic acid.
Molecular consequence: missense variant. On other transcripts: intron variant (1).
Genome position (GRCh38, 1-based): chr3:38,752,473, G>C on the plus strand (C>G on the coding strand, the complement: SCN10A is on the minus strand). VCF-style: chr3-38752473-G-C. GRCh37 (hg19) VCF-style: chr3-38793964-G-C.
Other names: c.1501C>G, p.His501Asp (NM_001293306.2); c.1462-2289C>G (NM_001293307.2); short protein forms H501D.
Identifiers: ClinVar variation 4614896 (VCV004614896.1).

ClinVar aggregate classification (germline): Uncertain significance (1 of 4 stars; one submission).

Conditions:
Cardiovascular phenotype. Identifiers: MedGen CN230736.

Submission:

Ambry Genetics
Classification: Uncertain significance for Cardiovascular phenotype. Last evaluated: 2025-11-24. Review status: criteria provided, single submitter. Criteria: Ambry Variant Classification Scheme 2023. Collection method: clinical testing. Allele origin: germline.
Comment: The p.H501D variant (also known as c.1501C>G), located in coding exon 11 of the SCN10A gene, results from a C to G substitution at nucleotide position 1501. The histidine at codon 501 is replaced by aspartic acid, an amino acid with similar properties. This amino acid position is conserved. In addition, the in silico prediction for this alteration is inconclusive. Based on the available evidence, the clinical significance of this variant remains unclear.